The following is an entry in ClinVar:

NM_001355526.2(EFCAB10):c.365A>G (p.Lys122Arg)

Genes: EFCAB10 (EF-hand calcium binding domain 10; minus strand), RINT1 (RAD50 interactor 1; plus strand). Cytogenetic location: 7q22.3.
Variant type: single nucleotide variant.
Coding change: c.365A>G on transcript NM_001355526.2 (MANE Select); coding-DNA position 365, A replaced by G.
Protein change: p.Lys122Arg; replaces lysine 122 with arginine.
Molecular consequence: missense variant. On other transcripts: 3 prime UTR variant (5), non-coding transcript variant (1), intron variant (1).
Genome position (GRCh38, 1-based): chr7:105,567,485, T>C on the plus strand (A>G on the coding strand, the complement: EFCAB10 is on the minus strand). VCF-style: chr7-105567485-T-C. GRCh37 (hg19) VCF-style: chr7-105207932-T-C.
Other names: NC_000007.13:g.105207932T>C; c.365A>G, p.Lys122Arg (NM_001355527.2, NM_001355530.2); c.200A>G, p.Lys67Arg (NM_001355529.2); c.*174T>C (NM_001346599.2, NM_001346600.2, NM_001346601.2 and 2 more transcripts); c.359+1718A>G (NM_001355531.2); short protein forms K122R, K67R.
Identifiers: ClinVar variation 4332093 (VCV004332093.5).

ClinVar aggregate classification (germline): Benign (1 of 4 stars; one submission).

gnomAD v4.1: 842 of 706,016 alleles (0.12%); highest among the groups gnomAD compares: African/African-American, 1.4%; 6 homozygotes.

Submissions (4):

CeGaT Center for Human Genetics Tuebingen
Classification: Benign. Last evaluated: 2026-03-01. Review status: criteria provided, single submitter. Criteria: CeGaT Center For Human Genetics Tuebingen Variant Classification Criteria Version 2. Collection method: clinical testing. Allele origin: germline. Affected: yes. Observed: 1 variant allele.
Comment: EFCAB10: BP4, BS1, BS2

Dr. Peter K. Rogan Lab, Western University
No classification provided (evidence only). Condition: Uterine corpus endometrial carcinoma. Review status: no classification provided. Collection method: in vitro. Allele origin: not applicable. Functional consequence: retained intron. Not counted in ClinVar's aggregate classification.

Dr. Peter K. Rogan Lab, Western University
No classification provided (evidence only). Condition: Uterine corpus endometrial carcinoma. Review status: no classification provided. Collection method: in vitro. Allele origin: not applicable. Functional consequence: retained intron. Not counted in ClinVar's aggregate classification.

Dr. Peter K. Rogan Lab, Western University
No classification provided (evidence only). Condition: Cervical cancer. Review status: no classification provided. Collection method: in vitro. Allele origin: not applicable. Functional consequence: retained intron. Not counted in ClinVar's aggregate classification.